The following is an entry in ClinVar:

NM_000548.5(TSC2):c.4768G>T (p.Asp1590Tyr)

Gene: TSC2 (TSC complex subunit 2; plus strand). Cytogenetic location: 16p13.3.
Variant type: single nucleotide variant.
Coding change: c.4768G>T on transcript NM_000548.5 (MANE Select); coding-DNA position 4768, G replaced by T.
Protein change: p.Asp1590Tyr; replaces aspartic acid 1590 with tyrosine.
Molecular consequence: missense variant.
Genome position (GRCh38, 1-based): chr16:2,086,298, G>T. VCF-style: chr16-2086298-G-T. GRCh37 (hg19) VCF-style: chr16-2136299-G-T.
Other names: c.4567G>T, p.Asp1523Tyr (NM_001077183.3); c.4699G>T, p.Asp1567Tyr (NM_001114382.3); c.4459G>T, p.Asp1487Tyr (NM_001318827.2); c.4423G>T, p.Asp1475Tyr (NM_001318829.2); c.4036G>T, p.Asp1346Tyr (NM_001318831.2); c.4600G>T, p.Asp1534Tyr (NM_001318832.2); c.4570G>T, p.Asp1524Tyr (NM_001363528.2); c.4636G>T, p.Asp1546Tyr (NM_001370404.1); and 1 more; short protein forms D1346Y, D1487Y, D1523Y, D1524Y, D1534Y, D1547Y, D1475Y, D1546Y.
Identifiers: ClinVar variation 957126 (VCV000957126.12), dbSNP rs2090780462, ClinGen allele CA394307879.

ClinVar aggregate classification (germline): Uncertain significance. Review status: criteria provided, multiple submitters, no conflicts (2 of 4 stars). 2 submissions from 2 submitters: Uncertain significance (2). Last evaluated 2023-09-09.

Conditions:
Hereditary cancer-predisposing syndrome. Also called: Hereditary neoplastic syndrome; Tumor predisposition; Neoplastic Syndromes, Hereditary; Hereditary Cancer Syndrome. Identifiers: Orphanet 140162, MedGen C0027672, MeSH D009386, MONDO:0015356.
Tuberous sclerosis 2 (TSC2). Identifiers: Orphanet 805, MedGen C1860707, MONDO:0013199, OMIM 613254.

Submissions (2):

Labcorp Genetics (formerly Invitae), Labcorp
Classification: Uncertain significance for Tuberous sclerosis 2. Last evaluated: 2023-09-09. Review status: criteria provided, single submitter. Criteria: Invitae Variant Classification Sherloc (09022015). Collection method: clinical testing. Allele origin: germline.
Comment: In summary, the available evidence is currently insufficient to determine the role of this variant in disease. Therefore, it has been classified as a Variant of Uncertain Significance. Advanced modeling of protein sequence and biophysical properties (such as structural, functional, and spatial information, amino acid conservation, physicochemical variation, residue mobility, and thermodynamic stability) performed at Invitae indicates that this missense variant is not expected to disrupt TSC2 protein function. ClinVar contains an entry for this variant (Variation ID: 957126). This variant has not been reported in the literature in individuals affected with TSC2-related conditions. This variant is not present in population databases (gnomAD no frequency). This sequence change replaces aspartic acid, which is acidic and polar, with tyrosine, which is neutral and polar, at codon 1590 of the TSC2 protein (p.Asp1590Tyr).

Ambry Genetics
Classification: Uncertain significance for Hereditary cancer-predisposing syndrome. Last evaluated: 2023-05-02. Review status: criteria provided, single submitter. Criteria: Ambry Variant Classification Scheme 2023. Collection method: clinical testing. Allele origin: germline.
Comment: The p.D1590Y variant (also known as c.4768G>T), located in coding exon 36 of the TSC2 gene, results from a G to T substitution at nucleotide position 4768. The aspartic acid at codon 1590 is replaced by tyrosine, an amino acid with highly dissimilar properties. This amino acid position is highly conserved in available vertebrate species. In addition, this alteration is predicted to be deleterious by in silico analysis. Since supporting evidence is limited at this time, the clinical significance of this alteration remains unclear.